The following is an entry in ClinVar:

NM_002480.3(PPP1R12A):c.2753A>G (p.Lys918Arg)

Gene: PPP1R12A (protein phosphatase 1 regulatory subunit 12A; minus strand). Cytogenetic location: 12q21.2.
Variant type: single nucleotide variant.
Coding change: c.2753A>G on transcript NM_002480.3 (MANE Select); coding-DNA position 2753, A replaced by G.
Protein change: p.Lys918Arg; replaces lysine 918 with arginine.
Molecular consequence: missense variant.
Genome position (GRCh38, 1-based): chr12:79,788,697, T>C on the plus strand (A>G on the coding strand, the complement: PPP1R12A is on the minus strand). VCF-style: chr12-79788697-T-C. GRCh37 (hg19) VCF-style: chr12-80182477-T-C.
Other names: c.2753A>G, p.Lys918Arg (NM_001143885.2, NM_001244990.2); c.2492A>G, p.Lys831Arg (NM_001143886.2); c.2585A>G, p.Lys862Arg (NM_001244992.1); short protein forms K862R, K831R, K918R.
Identifiers: ClinVar variation 3654501 (VCV003654501.2).
Genomic context (GRCh38, chr12:79,788,697, plus strand): 5'-AACCCAAGTACCTTTTTAAAGTCAGTTGAGTCATCCTTTTCTAGCCTGCTGCTGTAAGGT[T>C]TTCTTTCTTCTAAGTAACTGTATGATCCAGAGCGACCCAGCAAGGAATCATATCGATCAC-3'
Protein context (NP_002471.1, residues 908-928): SGSYSYLEER[Lys918Arg]PYSSRLEKDD

ClinVar aggregate classification (germline): Uncertain significance (1 of 4 stars; one submission).

Submission:

Labcorp Genetics (formerly Invitae), Labcorp
Classification: Uncertain significance. Last evaluated: 2024-05-24. Review status: criteria provided, single submitter. Criteria: Invitae Variant Classification Sherloc (09022015). Collection method: clinical testing. Allele origin: germline.
Comment: This sequence change replaces lysine, which is basic and polar, with arginine, which is basic and polar, at codon 918 of the PPP1R12A protein (p.Lys918Arg). This variant is not present in population databases (gnomAD no frequency). This variant has not been reported in the literature in individuals affected with PPP1R12A-related conditions. An algorithm developed to predict the effect of missense changes on protein structure and function (PolyPhen-2) suggests that this variant is likely to be tolerated. In summary, the available evidence is currently insufficient to determine the role of this variant in disease. Therefore, it has been classified as a Variant of Uncertain Significance.